The following is an entry in ClinVar:

NM_022893.4(BCL11A):c.386-24278G>A

Gene: BCL11A (BCL11 transcription factor A; minus strand). Cytogenetic location: 2p16.1.
Variant type: single nucleotide variant.
Coding change: c.386-24278G>A on transcript NM_022893.4 (MANE Select); 24278 bases into the intron before coding-DNA position 386, G replaced by A.
Molecular consequence: intron variant.
Genome position (GRCh38, 1-based): chr2:60,493,111, C>T on the plus strand (G>A on the coding strand, the complement: BCL11A is on the minus strand). VCF-style: chr2-60493111-C-T. GRCh37 (hg19) VCF-style: chr2-60720246-C-T.
Other names: c.386-24278G>A (NM_138559.2, NM_018014.4); c.386-30687G>A (NM_001363864.1, NM_001365609.1).
Identifiers: ClinVar variation 127265 (VCV000127265.9), dbSNP rs11886868, ClinGen allele CA249793.
Genomic context (GRCh38, chr2:60,493,111, plus strand): 5'-ATTCTAGAATTTGTTACAAATGGACTCATACAGGATATCGTCTTTTGTGTTTAATTTCTT[C>T]CACAGAGCAGAATGATTCTGGGATTCATCCATGGTGTGGAGTGTGTTACTCTTTCATTCT-3'

ClinVar aggregate classification (germline): Benign. Review status: criteria provided, multiple submitters, no conflicts (2 of 4 stars). 6 submissions from 6 submitters: Benign (4). 2 of the submissions do not count toward it. Last evaluated 2023-04-24.

Conditions:
Dias-Logan syndrome. Also called: INTELLECTUAL DEVELOPMENTAL DISORDER WITH HEREDITARY PERSISTENCE OF FETAL HEMOGLOBIN; Intellectual developmental disorder with persistence of fetal hemoglobin. Identifiers: Orphanet 619233, MedGen C4310833, MONDO:0014914, OMIM 617101.
Fetal hemoglobin quantitative trait locus 5 (HBFQTL5). Identifiers: MedGen C1969758, OMIM 142335.

Allele frequency attached by ClinVar (database versions not stated): 1000 Genomes Project 0.48323; 1000 Genomes Project 30x 0.49750; TOPMed 0.62416; gnomAD 0.63476 and 0.65121.
gnomAD v4.1: 96,415 of 152,036 alleles (63%); highest among the groups gnomAD compares: African/African-American, 71%; 32,265 homozygotes.

Submissions (6):

Department of Pathology and Laboratory Medicine, Sinai Health System
Classification: Benign for Dias-Logan syndrome. Last evaluated: 2023-04-24. Review status: criteria provided, single submitter. Criteria: ACMG Guidelines, 2015. Collection method: research. Allele origin: germline.

H3Africa Consortium
Classification: Benign. Last evaluated: 2020-10-28. Review status: criteria provided, single submitter. Criteria: Choudhury A et al. (Nature 2020). Collection method: research. Allele origin: germline. Inheritance: Autosomal dominant inheritance. Study: H3Africa.
Comment: While the frequency of the alternate allele in gnoMAD v2.0.2 is 0.8, its frequency in African populations is >5%. This suggests that previous classifications of this variant as pathogenic are in error.

Mendelics
Classification: Benign for Dias-Logan syndrome. Last evaluated: 2019-05-28. Review status: criteria provided, single submitter. Criteria: Mendelics Assertion Criteria 2017. Collection method: clinical testing. Allele origin: unknown.

Breakthrough Genomics
Classification: Benign. Review status: criteria provided, single submitter. Criteria: ACMG Guidelines, 2015. Collection method: not provided. Allele origin: germline. Inheritance: Autosomal dominant inheritance. Affected: yes.

Reproductive Health Research and Development, BGI Genomics
Classification: Benign for Intellectual developmental disorder with persistence of fetal hemoglobin. Last evaluated: 2020-01-06. Review status: no assertion criteria provided. Collection method: curation. Allele origin: germline. Not counted in ClinVar's aggregate classification.
Comment: NG_011968.1(NM_018014.3):c.386-24278G>A in the BCL11A gene has an allele frequency of 0.713 in African subpopulation in the gnomAD database. This evidence suggests the variant to be classified as benign. ACMG/AMP criteria applied: BA1.

Genomic Research Center, Shahid Beheshti University of Medical Sciences
Classification: Likely pathogenic for Fetal hemoglobin quantitative trait locus 5. Review status: no assertion criteria provided. Collection method: not provided. Allele origin: inherited. Not counted in ClinVar's aggregate classification.
ClinVar note: Converted during submission from probable-pathogenic to Likely pathogenic.